The following is an entry in ClinVar:

NM_201253.3(CRB1):c.2305C>T (p.Arg769Cys)

Gene: CRB1 (crumbs cell polarity complex component 1; plus strand). Cytogenetic location: 1q31.3.
Variant type: single nucleotide variant.
Coding change: c.2305C>T on transcript NM_201253.3 (MANE Select); coding-DNA position 2305, C replaced by T.
Protein change: p.Arg769Cys; replaces arginine 769 with cysteine.
Molecular consequence: missense variant. On other transcripts: non-coding transcript variant (2), intron variant (1).
Genome position (GRCh38, 1-based): chr1:197,427,630, C>T. VCF-style: chr1-197427630-C-T. GRCh37 (hg19) VCF-style: chr1-197396760-C-T.
Other names: c.1969C>T, p.Arg657Cys (NM_001193640.2); c.2098C>T, p.Arg700Cys (NM_001257965.2); c.2128+5674C>T (NM_001257966.2); short protein forms R657C, R700C, R769C.
Identifiers: ClinVar variation 949549 (VCV000949549.7), dbSNP rs746307301, ClinGen allele CA1312095.

ClinVar aggregate classification (germline): Uncertain significance. Review status: criteria provided, multiple submitters, no conflicts (2 of 4 stars). 4 submissions from 4 submitters: Uncertain significance (2). 2 of the submissions do not count toward it. Last evaluated 2024-01-03.

Conditions:
Leber congenital amaurosis (LCA). Also called: Leber's amaurosis. Identifiers: Orphanet 65, MedGen C0339527, MeSH D057130, MONDO:0018998.
CRB1-related disorder. Also called: CRB1-related condition; CRB1-related disorders.
Leber congenital amaurosis 8 (LCA8). Identifiers: Orphanet 65, MedGen C3151202, MONDO:0013453, OMIM 613835.
Retinitis pigmentosa 12 (RP12). Also called: RP WITH OR WITHOUT PPRPE; RP WITH OR WITHOUT PRESERVED PARAARTERIOLE RETINAL PIGMENT EPITHELIUM; RETINITIS PIGMENTOSA WITH OR WITHOUT PARAARTERIOLAR PRESERVATION OF RETINAL PIGMENT EPITHELIUM. Identifiers: Orphanet 791, MedGen C1838647, MONDO:0010818, OMIM 600105.

Allele frequency attached by ClinVar (database versions not stated): gnomAD 0.00003; TOPMed 0.00003; ExAC 0.00004.
gnomAD v4.1: 16 of 1,613,890 alleles (0.00099%); highest among the groups gnomAD compares: Middle Eastern, 0.016%; no homozygotes.

Submissions (4):

Blueprint Genetics
Classification: Uncertain significance. Last evaluated: 2024-01-03. Review status: criteria provided, single submitter. Criteria: ACMG Guidelines, 2015. Collection method: clinical testing. Allele origin: germline.

Labcorp Genetics (formerly Invitae), Labcorp
Classification: Uncertain significance for Leber congenital amaurosis 8; Retinitis pigmentosa 12. Last evaluated: 2022-08-09. Review status: criteria provided, single submitter. Criteria: Invitae Variant Classification Sherloc (09022015). Collection method: clinical testing. Allele origin: germline.
Comment: This sequence change replaces arginine, which is basic and polar, with cysteine, which is neutral and slightly polar, at codon 769 of the CRB1 protein (p.Arg769Cys). This variant is present in population databases (rs746307301, gnomAD 0.006%). This missense change has been observed in individual(s) with retinitis pigmentosa (PMID: 33576794). ClinVar contains an entry for this variant (Variation ID: 949549). Advanced modeling of protein sequence and biophysical properties (such as structural, functional, and spatial information, amino acid conservation, physicochemical variation, residue mobility, and thermodynamic stability) performed at Invitae indicates that this missense variant is not expected to disrupt CRB1 protein function. In summary, the available evidence is currently insufficient to determine the role of this variant in disease. Therefore, it has been classified as a Variant of Uncertain Significance.

PreventionGenetics, part of Exact Sciences
Classification: Uncertain significance for CRB1-related condition. Last evaluated: 2024-09-05. Review status: no assertion criteria provided. Collection method: clinical testing. Allele origin: germline. Not counted in ClinVar's aggregate classification.
Comment: The CRB1 c.2305C>T variant is predicted to result in the amino acid substitution p.Arg769Cys. This variant has been reported in individuals with inherited retinal disease (Table S4, Colombo et al. 2021. PubMed ID: 33576794; Table S12, Diñeiro et al. 2020. PubMed ID: 32483926). This variant is reported in 0.0065% of alleles in individuals of South Asian descent in gnomAD. At this time, the clinical significance of this variant is uncertain due to the absence of conclusive functional and genetic evidence.

Natera, Inc.
Classification: Uncertain significance for Leber congenital amaurosis. Last evaluated: 2020-12-10. Review status: no assertion criteria provided. Collection method: clinical testing. Allele origin: germline. Not counted in ClinVar's aggregate classification.

Literature cited by the submitters: PubMed 33576794 (cited by Labcorp Genetics (formerly Invitae), Labcorp).